The following is an entry in ClinVar:

NM_001868.4(CPA1):c.110A>G (p.Gln37Arg)

Gene: CPA1 (carboxypeptidase A1; plus strand). Cytogenetic location: 7q32.2.
Variant type: single nucleotide variant.
Coding change: c.110A>G on transcript NM_001868.4 (MANE Select); coding-DNA position 110, A replaced by G.
Protein change: p.Gln37Arg; replaces glutamine 37 with arginine.
Molecular consequence: missense variant.
Genome position (GRCh38, 1-based): chr7:130,381,142, A>G. VCF-style: chr7-130381142-A-G. GRCh37 (hg19) VCF-style: chr7-130020983-A-G.
Other names: short protein forms Q37R.
Identifiers: ClinVar variation 4869362 (VCV004869362.1).
Genomic context (GRCh38, chr7:130,381,142, plus strand): 5'-CTCCCACTCTGCCCAGGCATCAGGTGCTCCGAATCTCTGTAGCCGATGAGGCCCAGGTAC[A>G]GAAGGTGAAGGAGCTGGAGGACCTGGAGCACCTGCAGGTCAGAAGAGGGGAGAAGGGCTC-3'
Protein context (NP_001859.1, residues 27-47): RISVADEAQV[Gln37Arg]KVKELEDLEH

ClinVar aggregate classification (germline): Uncertain significance (1 of 4 stars; one submission).

Conditions:
Hereditary pancreatitis (PCTT). Also called: Hereditary chronic pancreatitis; PRSS1-Related Hereditary Pancreatitis. Identifiers: Orphanet 676, MedGen C0238339, MONDO:0008185, OMIM 167800.

Submission:

Ambry Genetics
Classification: Uncertain significance for Hereditary pancreatitis. Last evaluated: 2026-04-22. Review status: criteria provided, single submitter. Criteria: Ambry Variant Classification Scheme 2023. Collection method: clinical testing. Allele origin: germline.
Comment: The p.Q37R variant (also known as c.110A>G), located in coding exon 2 of the CPA1 gene, results from an A to G substitution at nucleotide position 110. The glutamine at codon 37 is replaced by arginine, an amino acid with highly similar properties. This amino acid position is conserved. In addition, this alteration is predicted to be tolerated by in silico analysis. Based on the available evidence, the clinical significance of this variant remains unclear.